The following is an entry in ClinVar:

NM_006371.5(CRTAP):c.903_908del (p.Leu301_Gln302del)

Gene: CRTAP (cartilage associated protein; plus strand). Cytogenetic location: 3p22.3.
Variant type: Deletion.
Coding change: c.903_908del on transcript NM_006371.5 (MANE Select); coding-DNA positions 903 to 908, 6 bases deleted (GCAGTT; older notation c.903_908delGCAGTT).
Protein change: p.Leu301_Gln302del.
Molecular consequence: inframe deletion.
Genome position (GRCh38, 1-based): chr3:33,130,048-33,130,053, GCAGTT deleted; deleting any 6 consecutive bases within chr3:33,130,046-33,130,053 gives the same sequence; the c. name uses the placement nearest the transcript's 3' end. VCF-style (leftmost placement, unchanged base first): chr3-33130045-CTTGCAG-C. GRCh37 (hg19) VCF-style: chr3-33171537-CTTGCAG-C.
Other names: p.Leu301_Gln302del.
Identifiers: ClinVar variation 1023750 (VCV001023750.3), dbSNP rs2030205751, ClinGen allele CA1046628807.

ClinVar aggregate classification (germline): Uncertain significance. Review status: criteria provided, multiple submitters, no conflicts (2 of 4 stars). 2 submissions from 2 submitters: Uncertain significance (2). Last evaluated 2023-02-21.

Conditions:
Osteogenesis imperfecta type 7 (OI7). Also called: OI type 7; OI type VII; OSTEOGENESIS IMPERFECTA, TYPE IIB; Osteogenesis imperfecta type 2B; OI type 2B; Osteogenesis imperfecta, perinatal lethal autosomal recessive. Identifiers: MedGen C1853162, MONDO:0012536, OMIM 610682.

Submissions (2):

Mayo Clinic Laboratories, Mayo Clinic
Classification: Uncertain significance. Last evaluated: 2023-02-21. Review status: criteria provided, single submitter. Criteria: ACMG Guidelines, 2015. Collection method: clinical testing. Allele origin: germline. Observed: 1 variant allele.
Comment: PM2_supporting, PM4

Labcorp Genetics (formerly Invitae), Labcorp
Classification: Uncertain significance for Osteogenesis imperfecta type 7. Last evaluated: 2021-11-30. Review status: criteria provided, single submitter. Criteria: Invitae Variant Classification Sherloc (09022015). Collection method: clinical testing. Allele origin: germline.
Comment: This variant, c.903_908del, results in the deletion of 2 amino acid(s) of the CRTAP protein (p.Leu301_Gln302del), but otherwise preserves the integrity of the reading frame. This variant is not present in population databases (gnomAD no frequency). This variant has been observed in individual(s) with osteogenesis imperfecta (Invitae). In at least one individual the data is consistent with being in trans (on the opposite chromosome) from a pathogenic variant. ClinVar contains an entry for this variant (Variation ID: 1023750). Experimental studies and prediction algorithms are not available or were not evaluated, and the functional significance of this variant is currently unknown. In summary, the available evidence is currently insufficient to determine the role of this variant in disease. Therefore, it has been classified as a Variant of Uncertain Significance.